The following is an entry in ClinVar:

ClinVar aggregate classification (germline): Uncertain significance. Review status: criteria provided, multiple submitters, no conflicts (2 of 4 stars). 3 submissions from 3 submitters: Uncertain significance (3). Last evaluated 2025-02-10.

Conditions:
Breast and/or ovarian cancer. Identifiers: MedGen CN221562.
Hereditary cancer-predisposing syndrome. Also called: Neoplastic Syndromes, Hereditary; Hereditary Cancer Syndrome; Tumor predisposition; Hereditary neoplastic syndrome. Identifiers: Orphanet 140162, MedGen C0027672, MeSH D009386, MONDO:0015356.
Familial cancer of breast. Also called: hereditary breast carcinoma; BREAST CANCER, FAMILIAL; Hereditary breast cancer. Identifiers: Orphanet 227535, MedGen C0346153, MONDO:0016419, OMIM 114480. Disease mechanism: loss of function.
Fanconi anemia complementation group J. Also called: BRIP1-Related Fanconi Anemia. Identifiers: Orphanet 84, MedGen C1836860, MONDO:0012187, OMIM 609054.

gnomAD v4.1: 1 of 1,613,102 alleles (0.000062%); highest among the groups gnomAD compares: Non-Finnish European, 0.000085%; no homozygotes.

Submissions (3):

Labcorp Genetics (formerly Invitae), Labcorp
Classification: Uncertain significance for Familial cancer of breast; Fanconi anemia complementation group J. Last evaluated: 2025-02-10. Review status: criteria provided, single submitter. Criteria: Invitae Variant Classification Sherloc (09022015). Collection method: clinical testing. Allele origin: germline.
Comment: This sequence change replaces threonine, which is neutral and polar, with alanine, which is neutral and non-polar, at codon 133 of the BRIP1 protein (p.Thr133Ala). This variant is not present in population databases (gnomAD no frequency). This variant has not been reported in the literature in individuals affected with BRIP1-related conditions. ClinVar contains an entry for this variant (Variation ID: 582093). Invitae Evidence Modeling of protein sequence and biophysical properties (such as structural, functional, and spatial information, amino acid conservation, physicochemical variation, residue mobility, and thermodynamic stability) indicates that this missense variant is not expected to disrupt BRIP1 protein function with a negative predictive value of 95%. In summary, the available evidence is currently insufficient to determine the role of this variant in disease. Therefore, it has been classified as a Variant of Uncertain Significance.

CHEO Genetics Diagnostic Laboratory, Children's Hospital of Eastern Ontario
Classification: Uncertain significance for Breast and/or ovarian cancer. Last evaluated: 2022-08-26. Review status: criteria provided, single submitter. Criteria: ACMG Guidelines, 2015. Collection method: clinical testing. Allele origin: germline.

Ambry Genetics
Classification: Uncertain significance for Hereditary cancer-predisposing syndrome. Last evaluated: 2021-12-12. Review status: criteria provided, single submitter. Criteria: Ambry Variant Classification Scheme 2023. Collection method: clinical testing. Allele origin: germline.
Comment: The p.T133A variant (also known as c.397A>G), located in coding exon 4 of the BRIP1 gene, results from an A to G substitution at nucleotide position 397. The threonine at codon 133 is replaced by alanine, an amino acid with similar properties. This amino acid position is conserved. In addition, this alteration is predicted to be tolerated by in silico analysis. Since supporting evidence is limited at this time, the clinical significance of this alteration remains unclear.

NM_032043.3(BRIP1):c.397A>G (p.Thr133Ala)

Gene: BRIP1 (BRCA1 interacting DNA helicase 1; minus strand). Cytogenetic location: 17q23.2.
Variant type: single nucleotide variant.
Coding change: c.397A>G on transcript NM_032043.3 (MANE Select); coding-DNA position 397, A replaced by G.
Protein change: p.Thr133Ala; replaces threonine 133 with alanine.
Molecular consequence: missense variant.
Genome position (GRCh38, 1-based): chr17:61,849,239, T>C on the plus strand (A>G on the coding strand, the complement: BRIP1 is on the minus strand). VCF-style: chr17-61849239-T-C. GRCh37 (hg19) VCF-style: chr17-59926600-T-C.
Other names: short protein forms T133A.
Identifiers: ClinVar variation 582093 (VCV000582093.13), dbSNP rs764256720, ClinGen allele CA400484582.